The following is an entry in ClinVar:

NM_003680.4(YARS1):c.1207G>A (p.Val403Met)

Gene: YARS1 (tyrosyl-tRNA synthetase 1; minus strand). Cytogenetic location: 1p35.1.
Variant type: single nucleotide variant.
Coding change: c.1207G>A on transcript NM_003680.4 (MANE Select); coding-DNA position 1207, G replaced by A.
Protein change: p.Val403Met; replaces valine 403 with methionine.
Molecular consequence: missense variant.
Genome position (GRCh38, 1-based): chr1:32,780,212, C>T on the plus strand (G>A on the coding strand, the complement: YARS1 is on the minus strand). VCF-style: chr1-32780212-C-T. GRCh37 (hg19) VCF-style: chr1-33245813-C-T.
Other names: c.1207G>A (NM_003680.3); short protein forms V403M.
Identifiers: ClinVar variation 1681490 (VCV001681490.7), dbSNP rs745651845, ClinGen allele CA744954.

ClinVar aggregate classification (germline): Uncertain significance. Review status: criteria provided, multiple submitters, no conflicts (2 of 4 stars). 2 submissions from 2 submitters: Uncertain significance (2). Last evaluated 2025-07-23.

Conditions:
Charcot-Marie-Tooth disease dominant intermediate C (CMTDIC). Also called: CHARCOT-MARIE-TOOTH NEUROPATHY, DOMINANT INTERMEDIATE C. Identifiers: Orphanet 100045, MedGen C1842237, MONDO:0012012, OMIM 608323.

Allele frequency attached by ClinVar (database versions not stated): gnomAD 0.00001; TOPMed 0.00001.
gnomAD v4.1: 33 of 1,614,066 alleles (0.002%); highest among the groups gnomAD compares: Non-Finnish European, 0.002%; no homozygotes.

Submissions (2):

Labcorp Genetics (formerly Invitae), Labcorp
Classification: Uncertain significance for Charcot-Marie-Tooth disease dominant intermediate C. Last evaluated: 2025-07-23. Review status: criteria provided, single submitter. Criteria: Invitae Variant Classification Sherloc (09022015). Collection method: clinical testing. Allele origin: germline.
Comment: This sequence change replaces valine, which is neutral and non-polar, with methionine, which is neutral and non-polar, at codon 403 of the YARS protein (p.Val403Met). This variant is present in population databases (rs745651845, gnomAD 0.004%). This variant has not been reported in the literature in individuals affected with YARS-related conditions. ClinVar contains an entry for this variant (Variation ID: 1681490). Invitae Evidence Modeling of protein sequence and biophysical properties (such as structural, functional, and spatial information, amino acid conservation, physicochemical variation, residue mobility, and thermodynamic stability) indicates that this missense variant is not expected to disrupt YARS protein function with a negative predictive value of 80%. In summary, the available evidence is currently insufficient to determine the role of this variant in disease. Therefore, it has been classified as a Variant of Uncertain Significance.

GeneDx
Classification: Uncertain significance. Last evaluated: 2023-03-16. Review status: criteria provided, single submitter. Criteria: GeneDx Variant Classification Process June 2021. Collection method: clinical testing. Allele origin: germline. Affected: yes.
Comment: In silico analysis supports that this missense variant does not alter protein structure/function; Has not been previously published as pathogenic or benign to our knowledge; This variant is associated with the following publications: (PMID: 16429158)